The following is an entry in ClinVar:

ClinVar aggregate classification (germline): Uncertain significance (1 of 4 stars; one submission).

Submission:

GeneDx
Classification: Uncertain significance. Last evaluated: 2024-09-20. Review status: criteria provided, single submitter. Criteria: GeneDx Variant Classification Process June 2021. Collection method: clinical testing. Allele origin: germline. Affected: yes.
Comment: Not observed at significant frequency in large population cohorts (gnomAD); In-frame deletion of 4 amino acid(s) in a non-repeat region; In silico analysis supports a deleterious effect on protein structure/function; Has not been previously published as pathogenic or benign to our knowledge

NM_004959.5(NR5A1):c.462_473del (p.Pro157_Pro160del)

Gene: NR5A1 (nuclear receptor subfamily 5 group A member 1; minus strand). Cytogenetic location: 9q33.3.
Variant type: Deletion.
Coding change: c.462_473del on transcript NM_004959.5 (MANE Select); coding-DNA positions 462 to 473, 12 bases deleted (CGGTCCACCTGC).
Protein change: p.Pro157_Pro160del.
Genome position (GRCh38, 1-based): chr9:124,500,487-124,500,498, GCAGGTGGACCG deleted on the plus strand (CGGTCCACCTGC on the coding strand, the reverse complement: NR5A1 is on the minus strand); deleting any 12 consecutive bases within chr9:124,500,487-124,500,500 gives the same sequence; the c. name uses the placement nearest the transcript's 3' end. VCF-style (leftmost placement, unchanged base first): chr9-124500486-AGCAGGTGGACCG-A. GRCh37 (hg19) VCF-style: chr9-127262765-AGCAGGTGGACCG-A.
Identifiers: ClinVar variation 3773932 (VCV003773932.1).